The following is an entry in ClinVar:

NM_024854.5(PYROXD1):c.1418A>G (p.Asn473Ser)

Gene: PYROXD1 (pyridine nucleotide-disulphide oxidoreductase domain 1; plus strand). Cytogenetic location: 12p12.1.
Variant type: single nucleotide variant.
Coding change: c.1418A>G on transcript NM_024854.5 (MANE Select); coding-DNA position 1418, A replaced by G.
Protein change: p.Asn473Ser; replaces asparagine 473 with serine.
Molecular consequence: missense variant.
Genome position (GRCh38, 1-based): chr12:21,468,669, A>G. VCF-style: chr12-21468669-A-G. GRCh37 (hg19) VCF-style: chr12-21621603-A-G.
Other names: p.Asn473Ser; c.1205A>G, p.Asn402Ser (NM_001350912.2); c.641A>G, p.Asn214Ser (NM_001350913.2); short protein forms N214S, N402S, N473S.
Identifiers: ClinVar variation 740459 (VCV000740459.11), dbSNP rs199852910, ClinGen allele CA6478550.

ClinVar aggregate classification (germline): Conflicting classifications of pathogenicity. Review status: criteria provided, conflicting classifications (1 of 4 stars). 2 submissions from 2 submitters: Uncertain significance (1); Likely benign (1). Last evaluated 2025-10-12.

Allele frequency attached by ClinVar (database versions not stated): gnomAD exomes 0.00006 and 0.00023; ESP Exome Variant Server 0.00008; gnomAD 0.00011 and 0.00015; TOPMed 0.00014; ExAC 0.00021; 1000 Genomes Project 0.00060; 1000 Genomes Project 30x 0.00062.
gnomAD v4.1: 132 of 1,612,348 alleles (0.0082%); highest among the groups gnomAD compares: East Asian, 0.17%; 1 homozygote.

Submissions (2):

Labcorp Genetics (formerly Invitae), Labcorp
Classification: Likely benign. Last evaluated: 2025-10-12. Review status: criteria provided, single submitter. Criteria: Invitae Variant Classification Sherloc (09022015). Collection method: clinical testing. Allele origin: germline.

Mayo Clinic Laboratories, Mayo Clinic
Classification: Uncertain significance. Last evaluated: 2025-01-23. Review status: criteria provided, single submitter. Criteria: ACMG Guidelines, 2015. Collection method: clinical testing. Allele origin: germline. Observed: 2 variant alleles.
Comment: BS1